The following is an entry in ClinVar:

NM_000440.3(PDE6A):c.1600A>T (p.Lys534Ter)

Gene: PDE6A (phosphodiesterase 6A; minus strand). Cytogenetic location: 5q32.
Variant type: single nucleotide variant.
Coding change: c.1600A>T on transcript NM_000440.3 (MANE Select); coding-DNA position 1600, A replaced by T.
Protein change: p.Lys534Ter; replaces lysine 534 with a stop codon.
Molecular consequence: nonsense.
Genome position (GRCh38, 1-based): chr5:149,896,376, T>A on the plus strand (A>T on the coding strand, the complement: PDE6A is on the minus strand). VCF-style: chr5-149896376-T-A. GRCh37 (hg19) VCF-style: chr5-149275939-T-A.
Other names: c.1357A>T, p.Lys453Ter (NM_001410788.1); short protein forms K453*, K534*.
Identifiers: ClinVar variation 2034073 (VCV002034073.4), dbSNP rs2480564545, ClinGen allele CA361695319.

ClinVar aggregate classification (germline): Pathogenic (1 of 4 stars; one submission).

gnomAD v4.1: 1 of 1,614,042 alleles (0.000062%); no homozygotes.

Submission:

Labcorp Genetics (formerly Invitae), Labcorp
Classification: Pathogenic. Last evaluated: 2022-10-04. Review status: criteria provided, single submitter. Criteria: Invitae Variant Classification Sherloc (09022015). Collection method: clinical testing. Allele origin: germline.
Comment: For these reasons, this variant has been classified as Pathogenic. This variant has not been reported in the literature in individuals affected with PDE6A-related conditions. This variant is not present in population databases (gnomAD no frequency). This sequence change creates a premature translational stop signal (p.Lys534*) in the PDE6A gene. It is expected to result in an absent or disrupted protein product. Loss-of-function variants in PDE6A are known to be pathogenic (PMID: 7493036, 22128245, 23847139).

Literature cited by the submitters: PubMed 7493036; PubMed 22128245; PubMed 23847139.